The following is an entry in ClinVar:

ClinVar aggregate classification (germline): Likely benign (1 of 4 stars; one submission).

Allele frequency attached by ClinVar (database versions not stated): ExAC below 0.00001; gnomAD exomes 0.00002.
gnomAD v4.1: 33 of 1,558,512 alleles (0.0021%); highest among the groups gnomAD compares: Non-Finnish European, 0.0029%; no homozygotes.

Submission:

GeneDx
Classification: Likely benign. Last evaluated: 2018-04-06. Review status: criteria provided, single submitter. Criteria: GeneDx Variant Classification (06012015). Collection method: clinical testing. Allele origin: germline. Affected: yes.
Comment: This variant is considered likely benign or benign based on one or more of the following criteria: it is a conservative change, it occurs at a poorly conserved position in the protein, it is predicted to be benign by multiple in silico algorithms, and/or has population frequency not consistent with disease.

NM_018129.4(PNPO):c.73C>T (p.Leu25=)

Gene: PNPO (pyridoxamine 5'-phosphate oxidase; plus strand). Cytogenetic location: 17q21.32.
Variant type: single nucleotide variant.
Coding change: c.73C>T on transcript NM_018129.4 (MANE Select); coding-DNA position 73, C replaced by T.
Protein change: p.Leu25=; no amino-acid change (leucine 25 retained).
Molecular consequence: synonymous variant.
Genome position (GRCh38, 1-based): chr17:47,941,748, C>T. VCF-style: chr17-47941748-C-T. GRCh37 (hg19) VCF-style: chr17-46019114-C-T.
Identifiers: ClinVar variation 681686 (VCV000681686.1), dbSNP rs755060399, ClinGen allele CA8629098.
Genomic context (GRCh38, chr17:47,941,748, plus strand): 5'-CTGCGGGGCGTCACGGCGACGTTCGGGCGACCTGCCGAGTGGCCAGGCTACCTCAGTCAC[C>T]TGTGTGGTCGCAGTGCTGCCATGGACCTGGGACCCATGCGCAAGAGTTACCGCGGGGACC-3'
Protein context (NP_060599.1, residues 15-35): PAEWPGYLSH[Leu25=]CGRSAAMDLG